The following is an entry in ClinVar:

NM_001127222.2(CACNA1A):c.2828G>C (p.Arg943Pro)

Gene: CACNA1A (calcium voltage-gated channel subunit alpha1 A; minus strand). Cytogenetic location: 19p13.13.
Variant type: single nucleotide variant.
Coding change: c.2828G>C on transcript NM_001127222.2 (MANE Select); coding-DNA position 2828, G replaced by C.
Protein change: p.Arg943Pro; replaces arginine 943 with proline.
Molecular consequence: missense variant.
Genome position (GRCh38, 1-based): chr19:13,298,805, C>G on the plus strand (G>C on the coding strand, the complement: CACNA1A is on the minus strand). VCF-style: chr19-13298805-C-G. GRCh37 (hg19) VCF-style: chr19-13409619-C-G.
Other names: c.2840G>C, p.Arg947Pro (NM_000068.4, NM_023035.3); c.2831G>C, p.Arg944Pro (NM_001127221.2, NM_001174080.2); short protein forms R943P, R944P, R947P.
Identifiers: ClinVar variation 3777411 (VCV003777411.1).
Genomic context (GRCh38, chr19:13,298,805, plus strand): 5'-CTGCGGTGCGCGCGATGACGTCGATGCTCCCCGTCCGCGCCCGTGCGCGGGGACCCGCTG[C>G]GGCTCTCCCTGCTGCCCCCCTGCCGGTGCACGTGCCTCCGGTGGGGGTCCCCGGCCTTGC-3'
Protein context (NP_001120694.1, residues 933-953): VHRQGGSRES[Arg943Pro]SGSPRTGADG

ClinVar aggregate classification (germline): Uncertain significance (1 of 4 stars; one submission).

Submission:

GeneDx
Classification: Uncertain significance. Last evaluated: 2024-10-07. Review status: criteria provided, single submitter. Criteria: GeneDx Variant Classification Process June 2021. Collection method: clinical testing. Allele origin: germline. Affected: yes.
Comment: Not observed at significant frequency in large population cohorts (gnomAD); In silico analysis indicates that this missense variant does not alter protein structure/function; Has not been previously published as pathogenic or benign to our knowledge